The following is an entry in ClinVar:

NM_001349253.2(SCN11A):c.5209GCT[1] (p.Ala1738del)

Gene: SCN11A (sodium voltage-gated channel alpha subunit 11; minus strand). Cytogenetic location: 3p22.2.
Variant type: Microsatellite.
Coding change: c.5209GCT[1] on transcript NM_001349253.2 (MANE Select); one copy of the 3-base unit GCT starting at c.5209; the reference has two copies in a row; one copy, 3 bases deleted.
Protein change: p.Ala1738del; deletes alanine 1738.
Molecular consequence: inframe deletion.
Genome position (GRCh38, 1-based): chr3:38,846,856-38,846,858, AGC deleted on the plus strand (GCT on the coding strand, the reverse complement: SCN11A is on the minus strand); deleting any 3 consecutive bases within chr3:38,846,856-38,846,862 gives the same sequence; the position shown is the placement nearest the transcript's 3' end. VCF-style (leftmost placement, unchanged base first): chr3-38846855-TAGC-T. GRCh37 (hg19) VCF-style: chr3-38888346-TAGC-T.
Other names: c.5209GCT[1], p.Ala1738del (NM_014139.3); short protein forms A1738del.
Identifiers: ClinVar variation 1746114 (VCV001746114.2), dbSNP rs1171590614, ClinGen allele CA542615961.

ClinVar aggregate classification (germline): Uncertain significance (1 of 4 stars; one submission).

Conditions:
Inborn genetic diseases. Identifiers: MedGen C0950123, MeSH D030342.

Submission:

Ambry Genetics
Classification: Uncertain significance for Inborn genetic diseases. Last evaluated: 2020-11-19. Review status: criteria provided, single submitter. Criteria: Ambry Variant Classification Scheme 2023. Collection method: clinical testing. Allele origin: germline.
Comment: The c.5212_5214delGCT variant (also known as p.A1738del) is located in coding exon 26 of the SCN11A gene. This variant results from an in-frame GCT deletion at nucleotide positions 5212 to 5214. This results in the in-frame deletion of an alanine at codon 1738. This amino acid position is not well conserved in available vertebrate species. In addition, this alteration is predicted to be deleterious by in silico analysis (Choi Y et al. PLoS ONE. 2012; 7(10):e46688). Since supporting evidence is limited at this time, the clinical significance of this alteration remains unclear.